The following is an entry in ClinVar:

ClinVar aggregate classification (germline): Conflicting classifications of pathogenicity. Review status: criteria provided, conflicting classifications (1 of 4 stars). 5 submissions from 5 submitters: Uncertain significance (4); Likely benign (1). Last evaluated 2025-10-29.

Conditions:
Hereditary cancer-predisposing syndrome. Also called: Tumor predisposition; Hereditary Cancer Syndrome; Hereditary neoplastic syndrome; Neoplastic Syndromes, Hereditary. Identifiers: Orphanet 140162, MedGen C0027672, MeSH D009386, MONDO:0015356.
Familial cancer of breast. Also called: hereditary breast carcinoma; BREAST CANCER, FAMILIAL; Hereditary breast cancer. Identifiers: Orphanet 227535, MedGen C0346153, MONDO:0016419, OMIM 114480. Disease mechanism: loss of function.
Ataxia-telangiectasia syndrome (AT). Also called: Ataxia telangiectasia (A-T); LOUIS-BAR SYNDROME; Cerebello-oculocutaneous telangiectasia; Immunodeficiency with ataxia telangiectasia; ATAXIA-TELANGIECTASIA, COMPLEMENTATION GROUP A; ATAXIA-TELANGIECTASIA, FRESNO VARIANT. Identifiers: Orphanet 100, MedGen C0004135, MONDO:0008840, OMIM 208900.

Allele frequency attached by ClinVar (database versions not stated): gnomAD 0.00001; gnomAD exomes 0.00001 and below 0.00001; TOPMed 0.00001; ExAC 0.00001.
gnomAD v4.1: 3 of 1,612,564 alleles (0.00019%); highest among the groups gnomAD compares: East Asian, 0.0067%; no homozygotes.

Submissions (5):

Labcorp Genetics (formerly Invitae), Labcorp
Classification: Uncertain significance for Ataxia-telangiectasia syndrome. Last evaluated: 2025-10-29. Review status: criteria provided, single submitter. Criteria: Invitae Variant Classification Sherloc (09022015). Collection method: clinical testing. Allele origin: germline.
Comment: This sequence change replaces histidine, which is basic and polar, with tyrosine, which is neutral and polar, at codon 635 of the ATM protein (p.His635Tyr). This variant is present in population databases (rs761491947, gnomAD 0.01%). This missense change has been observed in individual(s) with ovarian cancer (PMID: 30093976). ClinVar contains an entry for this variant (Variation ID: 236680). Invitae Evidence Modeling of protein sequence and biophysical properties (such as structural, functional, and spatial information, amino acid conservation, physicochemical variation, residue mobility, and thermodynamic stability) indicates that this missense variant is not expected to disrupt ATM protein function with a negative predictive value of 95%. In summary, the available evidence is currently insufficient to determine the role of this variant in disease. Therefore, it has been classified as a Variant of Uncertain Significance.

Ambry Genetics
Classification: Likely benign for Hereditary cancer-predisposing syndrome. Last evaluated: 2025-02-25. Review status: criteria provided, single submitter. Criteria: Ambry Variant Classification Scheme 2023. Collection method: clinical testing. Allele origin: germline.

Sema4
Classification: Uncertain significance for Hereditary cancer-predisposing syndrome. Last evaluated: 2021-07-27. Review status: criteria provided, single submitter. Criteria: Sema4 Curation Guidelines. Collection method: curation. Allele origin: germline.
Comment: The ATM c.1903C>T (p.H635Y) variant has been reported in heterozygosity in at least one individual with ovarian cancer (PMID: 30093976). The variant was also observed in at least one individual with breast cancer and at least two healthy controls from the same study (PMID: 33471991). It was observed in 2/18354 chromosomes of the East Asian subpopulation in the large and broad cohorts of the Genome Aggregation Database (PMID: 32461654). The variant has been reported in ClinVar (Variation ID 236680). In silico tools suggest the impact of the variant on protein function is benign, though these predictions have not been confirmed by functional studies. The evidence is insufficient to meet ACMG/AMP criteria for classifying the variant as benign or pathogenic. Thus, the clinical significance of this variant is currently uncertain.

Department of Pathology and Laboratory Medicine, Sinai Health System
Classification: Uncertain significance for Familial cancer of breast. Last evaluated: 2021-04-30. Review status: criteria provided, single submitter. Criteria: ACMG Guidelines, 2015. Collection method: clinical testing. Allele origin: germline. Affected: yes.

Color Diagnostics, LLC DBA Color Health
Classification: Uncertain significance for Hereditary cancer-predisposing syndrome. Last evaluated: 2019-01-27. Review status: criteria provided, single submitter. Criteria: ACMG Guidelines, 2015. Collection method: clinical testing. Allele origin: germline.

Literature cited by the submitters: PubMed 30093976 (cited by 3 submitters); PubMed 33471991 (cited by Sema4 and Department of Pathology and Laboratory Medicine, Sinai Health System).

NM_000051.4(ATM):c.1903C>T (p.His635Tyr)

Gene: ATM (ATM serine/threonine kinase; plus strand). Cytogenetic location: 11q22.3.
Variant type: single nucleotide variant.
Coding change: c.1903C>T on transcript NM_000051.4 (MANE Select); coding-DNA position 1903, C replaced by T.
Protein change: p.His635Tyr; replaces histidine 635 with tyrosine.
Molecular consequence: missense variant.
Genome position (GRCh38, 1-based): chr11:108,253,818, C>T. VCF-style: chr11-108253818-C-T. GRCh37 (hg19) VCF-style: chr11-108124545-C-T.
Other names: c.1903C>T, p.His635Tyr (NM_001351834.2); short protein forms H635Y.
Identifiers: ClinVar variation 236680 (VCV000236680.17), dbSNP rs761491947, ClinGen allele CA6264910.